The following is an entry in ClinVar:

ClinVar aggregate classification (germline): Uncertain significance (1 of 4 stars; one submission).

Submission:

GeneDx
Classification: Uncertain significance. Last evaluated: 2023-09-01. Review status: criteria provided, single submitter. Criteria: GeneDx Variant Classification Process June 2021. Collection method: clinical testing. Allele origin: germline. Affected: yes.
Comment: Not observed at significant frequency in large population cohorts (gnomAD); In silico analysis supports that this missense variant has a deleterious effect on protein structure/function; Has not been previously published as pathogenic or benign to our knowledge

NM_001197104.2(KMT2A):c.8561A>C (p.Asp2854Ala)

Gene: KMT2A (lysine methyltransferase 2A; plus strand). Cytogenetic location: 11q23.3.
Variant type: single nucleotide variant.
Coding change: c.8561A>C on transcript NM_001197104.2 (MANE Select); coding-DNA position 8561, A replaced by C.
Protein change: p.Asp2854Ala; replaces aspartic acid 2854 with alanine.
Molecular consequence: missense variant.
Genome position (GRCh38, 1-based): chr11:118,504,453, A>C. VCF-style: chr11-118504453-A-C. GRCh37 (hg19) VCF-style: chr11-118375168-A-C.
Other names: c.8651A>C, p.Asp2884Ala (NM_001412597.1); c.8552A>C, p.Asp2851Ala (NM_005933.4); short protein forms D2851A, D2854A, D2884A.
Identifiers: ClinVar variation 3340726 (VCV003340726.1).